The following is an entry in ClinVar:

NM_007294.4(BRCA1):c.1134C>A (p.Ser378Arg)

Gene: BRCA1 (BRCA1 DNA repair associated; minus strand). Cytogenetic location: 17q21.31.
Variant type: single nucleotide variant.
Coding change: c.1134C>A on transcript NM_007294.4 (MANE Select); coding-DNA position 1134, C replaced by A.
Protein change: p.Ser378Arg; replaces serine 378 with arginine.
Molecular consequence: missense variant. On other transcripts: intron variant (137).
Genome position (GRCh38, 1-based): chr17:43,094,397, G>T on the plus strand (C>A on the coding strand, the complement: BRCA1 is on the minus strand). VCF-style: chr17-43094397-G-T. GRCh37 (hg19) VCF-style: chr17-41246414-G-T.
Other names: c.664+347C>A (NM_001408436.1, NM_001408444.1, NM_001408438.1 and 12 more transcripts); c.787+347C>A (NM_001407980.1, NM_001407993.1, NM_001407976.1 and 19 more transcripts); c.652+347C>A (NM_001408451.1); c.643+347C>A (NM_001408464.1, NM_001408468.1, NM_001408465.1 and 3 more transcripts); c.523+347C>A (NM_001408498.1, NM_001408501.1, NM_001408500.1 and 3 more transcripts); c.646+347C>A (NM_001408467.1, NM_001408459.1, NM_001408455.1 and 11 more transcripts); c.583+347C>A (NM_001408475.1); c.709+347C>A (NM_001408412.1, NM_001408409.1, NM_001408414.1 and 2 more transcripts); and 40 more; short protein forms S378R, S331R, S210R, S251R, S266R, S290R, S307R, S311R.
Identifiers: ClinVar variation 216654 (VCV000216654.35), dbSNP rs863224752, ClinGen allele CA336914.
Genomic context (GRCh38, chr17:43,094,397, plus strand): 5'-TGAGTCATCAGAACCTAACAGTTCATCACTTCTGGAAAACCACTCATTAACTTTCTGAAT[G>T]CTGCTATTTAGTGTTATCCAAGGAACATCTTCAGTATCTCTAGGATTCTCTGAGCATGGC-3'
Protein context (NP_009225.1, residues 368-388): EDVPWITLNS[Ser378Arg]IQKVNEWFSR

ClinVar aggregate classification (germline): Conflicting classifications of pathogenicity. Review status: criteria provided, conflicting classifications (1 of 4 stars). 10 submissions from 10 submitters: Uncertain significance (8); Likely benign (1). 1 of the submissions does not count toward it. Last evaluated 2025-12-08.

Conditions:
Hereditary breast ovarian cancer syndrome. Also called: Breast and ovarian cancer; Hereditary breast and ovarian cancer; Hereditary breast and ovarian cancer syndrome; Hereditary breast and/or ovarian cancer syndrome; BRCA1- and BRCA2-Associated Hereditary Breast and Ovarian Cancer; Hereditary breast and ovarian cancer syndrome (HBOC). Identifiers: Orphanet 145, MedGen C0677776, MeSH D061325, MONDO:0003582. Disease mechanism: loss of function.
Breast-ovarian cancer, familial, susceptibility to, 1 (BROVCA1). Also called: BRCA1 Hereditary Breast and Ovarian Cancer; OVARIAN CANCER, SUSCEPTIBILITY TO. Identifiers: Orphanet 145, MedGen C2676676, MONDO:0011450, OMIM 604370. Disease mechanism: loss of function.
Hereditary cancer-predisposing syndrome. Also called: Tumor predisposition; Hereditary Cancer Syndrome; Neoplastic Syndromes, Hereditary; Hereditary neoplastic syndrome. Identifiers: Orphanet 140162, MedGen C0027672, MeSH D009386, MONDO:0015356.
BRCA1-related cancer predisposition. Identifiers: MedGen CN377757, MONDO:0700268.

Allele frequency attached by ClinVar (database versions not stated): TOPMed below 0.00001; gnomAD 0.00001; gnomAD exomes 0.00001.
gnomAD v4.1: 11 of 1,614,032 alleles (0.00068%); highest among the groups gnomAD compares: Non-Finnish European, 0.00093%; no homozygotes.

Submissions (10):

Ambry Genetics
Classification: Uncertain significance for Hereditary cancer-predisposing syndrome. Last evaluated: 2025-12-08. Review status: criteria provided, single submitter. Criteria: Ambry Variant Classification Scheme 2023. Collection method: clinical testing. Allele origin: germline.

Labcorp Genetics (formerly Invitae), Labcorp
Classification: Uncertain significance for Hereditary breast ovarian cancer syndrome. Last evaluated: 2025-10-26. Review status: criteria provided, single submitter. Criteria: Invitae Variant Classification Sherloc (09022015). Collection method: clinical testing. Allele origin: germline.
Comment: This sequence change replaces serine, which is neutral and polar, with arginine, which is basic and polar, at codon 378 of the BRCA1 protein (p.Ser378Arg). This variant is not present in population databases (gnomAD no frequency). This missense change has been observed in individual(s) with breast cancer (PMID: 29360161). ClinVar contains an entry for this variant (Variation ID: 216654). Invitae Evidence Modeling of protein sequence and biophysical properties (such as structural, functional, and spatial information, amino acid conservation, physicochemical variation, residue mobility, and thermodynamic stability) indicates that this missense variant is expected to disrupt BRCA1 protein function with a positive predictive value of 80%. In summary, the available evidence is currently insufficient to determine the role of this variant in disease. Therefore, it has been classified as a Variant of Uncertain Significance.

Women's Health and Genetics/Laboratory Corporation of America, LabCorp
Classification: Uncertain significance. Last evaluated: 2025-01-15. Review status: criteria provided, single submitter. Criteria: LabCorp Variant Classification Summary - May 2015. Collection method: clinical testing. Allele origin: germline.
Comment: Variant summary: BRCA1 c.1134C>A (p.Ser378Arg) results in a non-conservative amino acid change in the encoded protein sequence. Five of five in-silico tools predict a damaging effect of the variant on protein function. The variant was absent in 251152 control chromosomes. The available data on variant occurrences in the general population are insufficient to allow any conclusion about variant significance. c.1134C>A has been reported in the literature in an individual with pancreatic cancer and a personal history of breast cancer (Dudley_2018). This report does not provide unequivocal conclusions about association of the variant with Hereditary Breast And Ovarian Cancer Syndrome. To our knowledge, no experimental evidence demonstrating an impact on protein function has been reported. The following publication has been ascertained in the context of this evaluation (PMID: 29360161). ClinVar contains an entry for this variant (Variation ID: 216654). Based on the evidence outlined above, the variant was classified as uncertain significance.

All of Us Research Program, National Institutes of Health
Classification: Uncertain significance for BRCA1-related cancer predisposition. Last evaluated: 2024-07-10. Review status: criteria provided, single submitter. Criteria: ACMG Guidelines, 2015. Collection method: clinical testing. Allele origin: germline. Inheritance: Autosomal dominant inheritance. Observed: 2 variant alleles, 2 heterozygotes.
Comment: This missense variant replaces serine with arginine at codon 378 of the BRCA1 protein. Computational prediction suggests that this variant may have deleterious impact on protein structure and function (internally defined REVEL score threshold >= 0.7, PMID: 27666373). To our knowledge, functional studies have not been reported for this variant. This variant has been detected in a breast cancer case-control meta-analysis in 1/60466 cases and 0/53461 unaffected individuals (PMID: 33471991; Leiden Open Variation Database DB-ID BRCA1_006530). This variant has not been identified in the general population by the Genome Aggregation Database (gnomAD). The available evidence is insufficient to determine the role of this variant in disease conclusively. Therefore, this variant is classified as a Variant of Uncertain Significance.

This study involves interpretation of variants in research participants for the purpose of population health screening. Participant phenotype was not available at the time of variant classification. Additional details can be found in publication PMID: 35346344, PMCID: PMC8962531

Color Diagnostics, LLC DBA Color Health
Classification: Uncertain significance for Hereditary cancer-predisposing syndrome. Last evaluated: 2023-07-01. Review status: criteria provided, single submitter. Criteria: ACMG Guidelines, 2015. Collection method: clinical testing. Allele origin: germline.
Comment: This missense variant replaces serine with arginine at codon 378 of the BRCA1 protein. Computational prediction suggests that this variant may have deleterious impact on protein structure and function (internally defined REVEL score threshold >= 0.7, PMID: 27666373). To our knowledge, functional studies have not been reported for this variant. This variant has been detected in a breast cancer case-control meta-analysis in 1/60466 cases and 0/53461 unaffected individuals (PMID: 33471991; Leiden Open Variation Database DB-ID BRCA1_006530). This variant has not been identified in the general population by the Genome Aggregation Database (gnomAD). The available evidence is insufficient to determine the role of this variant in disease conclusively. Therefore, this variant is classified as a Variant of Uncertain Significance.

Quest Diagnostics Nichols Institute San Juan Capistrano
Classification: Uncertain significance. Last evaluated: 2023-06-20. Review status: criteria provided, single submitter. Criteria: Quest Diagnostics criteria. Collection method: clinical testing. Allele origin: unknown.
Comment: In the published literature, this variant has been reported to be located in a region of the BRCA1 gene that is tolerant to missense changes (PMID: 31911673 (2020)). In a large-scale breast cancer association study, the variant was observed in an individual with breast cancer (PMID: 33471991 (2021)). The frequency of this variant in the general population, 0.0000066 (1/152186 chromosomes (Genome Aggregation Database)), is uninformative in the assessment of its pathogenicity. Analysis of this variant using bioinformatics tools for the prediction of the effect of amino acid changes on protein structure and function yielded conflicting predictions that this variant is benign or damaging. Based on the available information, we are unable to determine the clinical significance of this variant.

University of Washington Department of Laboratory Medicine, University of Washington
Classification: Likely benign for Hereditary cancer-predisposing syndrome. Last evaluated: 2023-03-23. Review status: criteria provided, single submitter. Criteria: Dines et al. (Genet Med. 2020). Collection method: curation. Allele origin: germline.
Comment: Missense variant in a coldspot region where missense variants are very unlikely to be pathogenic (PMID:31911673).

BRCA1 coldspot (exon 11 using historical exon numbering). Reclassification based on statistical prior probability

Sema4
Classification: Uncertain significance for Hereditary cancer-predisposing syndrome. Last evaluated: 2022-03-10. Review status: criteria provided, single submitter. Criteria: Sema4 Curation Guidelines. Collection method: curation. Allele origin: germline.
Comment: The BRCA1 c.1134C>A (p.S378R) variant has been reported in a large case-control study in 1/60466 breast cancer cases and in 0/53461 controls (PMID: 33471991). It was not observed in the large and broad cohorts of the Genome Aggregation Database (PMID: 32461654). The variant has been reported in ClinVar (Variation ID 216654). Functional studies have not been performed, and in silico predictions of the variant's effect on protein function are inconclusive. The evidence is insufficient to meet ACMG/AMP criteria for classifying the variant as benign or pathogenic. Thus, the clinical significance of this variant is currently uncertain.

GeneDx
Classification: Uncertain significance. Last evaluated: 2020-07-14. Review status: criteria provided, single submitter. Criteria: GeneDx Variant Classification Process June 2021. Collection method: clinical testing. Allele origin: germline. Affected: yes.
Comment: Not observed in large population cohorts (Lek et al., 2016); In silico analysis supports that this missense variant has a deleterious effect on protein structure/function; Has not been previously published as pathogenic or benign to our knowledge; Also known as BRCA1 c.1253C>A

Counsyl
Classification: Uncertain significance for Breast-ovarian cancer, familial, susceptibility to, 1. Last evaluated: 2017-08-25. Review status: no assertion criteria provided. Collection method: clinical testing. Allele origin: unknown. Not counted in ClinVar's aggregate classification.

Literature cited by the submitters: PubMed 29360161 (cited by Labcorp Genetics (formerly Invitae), Labcorp and Women's Health and Genetics/Laboratory Corporation of America, LabCorp); PubMed 33471991 (cited by 4 submitters); PubMed 31911673 (cited by Quest Diagnostics Nichols Institute San Juan Capistrano).